The following is an entry in ClinVar:

ClinVar aggregate classification (germline): Benign/Likely benign. Review status: criteria provided, multiple submitters, no conflicts (2 of 4 stars). 3 submissions from 3 submitters: Benign (2); Likely benign (1). Last evaluated 2025-08-01.

Allele frequency attached by ClinVar (database versions not stated): gnomAD exomes 0.00034 and 0.00086; ExAC 0.00101; gnomAD 0.00325 and 0.00350; ESP Exome Variant Server 0.00347; 1000 Genomes Project 30x 0.00359; TOPMed 0.00369; 1000 Genomes Project 0.00379.

Submissions (3):

CeGaT Center for Human Genetics Tuebingen
Classification: Likely benign. Last evaluated: 2025-08-01. Review status: criteria provided, single submitter. Criteria: CeGaT Center For Human Genetics Tuebingen Variant Classification Criteria Version 2. Collection method: clinical testing. Allele origin: germline. Affected: yes. Observed: 2 variant alleles.
Comment: WASHC4: BP4, BS1

Labcorp Genetics (formerly Invitae), Labcorp
Classification: Benign. Last evaluated: 2019-12-31. Review status: criteria provided, single submitter. Criteria: Invitae Variant Classification Sherloc (09022015). Collection method: clinical testing. Allele origin: germline.

Breakthrough Genomics
Classification: Benign. Review status: criteria provided, single submitter. Criteria: ACMG Guidelines, 2015. Collection method: not provided. Allele origin: germline. Inheritance: Autosomal recessive inheritance. Affected: yes.

NM_015275.3(WASHC4):c.384G>T (p.Met128Ile)

Gene: WASHC4 (WASH complex subunit 4; plus strand). Cytogenetic location: 12q23.3.
Variant type: single nucleotide variant.
Coding change: c.384G>T on transcript NM_015275.3 (MANE Select); coding-DNA position 384, G replaced by T.
Protein change: p.Met128Ile; replaces methionine 128 with isoleucine.
Molecular consequence: missense variant.
Genome position (GRCh38, 1-based): chr12:105,115,677, G>T. VCF-style: chr12-105115677-G-T. GRCh37 (hg19) VCF-style: chr12-105509455-G-T.
Other names: c.384G>T, p.Met128Ile (NM_001293640.2); short protein forms M128I.
Identifiers: ClinVar variation 732660 (VCV000732660.29), dbSNP rs141689456, ClinGen allele CA6758296.
Genomic context (GRCh38, chr12:105,115,677, plus strand): 5'-AAATTTAAAAAATGAAATATGCTTATTCATGTTGCCTTTTACAGCTACAGATGCCAGCAT[G>T]GTGGAAGGTGATTGCCAAATTCAAATGGGGAGATTTATTTCATTCTTACAGGTAACTGAT-3'
Protein context (NP_056090.1, residues 118-138): FYGEGATDAS[Met128Ile]VEGDCQIQMG